The following is an entry in ClinVar:

ClinVar aggregate classification (germline): Conflicting classifications of pathogenicity. Review status: criteria provided, conflicting classifications (1 of 4 stars). 6 submissions from 5 submitters: Uncertain significance (4); Benign (2). Last evaluated 2026-06-29.

Conditions:
Ehlers-Danlos syndrome, arthrochalasia type, 2. Also called: EHLERS-DANLOS SYNDROME, TYPE VIIB, AUTOSOMAL DOMINANT. Identifiers: MedGen CN293783, MONDO:0040501, OMIM 617821.
Cardiovascular phenotype. Identifiers: MedGen CN230736.
Osteogenesis imperfecta (OI). Identifiers: Orphanet 666, MedGen C0029434, MeSH D010013, MONDO:0019019.
Ehlers-Danlos syndrome, classic type, 1 (EDSCL1). Also called: Ehlers-Danlos Syndrome, Classic Type, COL5A1-Related; EHLERS-DANLOS SYNDROME, GRAVIS TYPE; EHLERS-DANLOS SYNDROME, SEVERE CLASSIC TYPE; Ehlers-Danlos syndrome, type 1; EDS I. Identifiers: MedGen C0268335, MONDO:0019567, OMIM 130000.
Osteogenesis imperfecta type I (OI1). Also called: Classic Non-deforming Osteogenesis Imperfecta with Blue Sclerae; Osteogenesis imperfecta type 1; OI, TYPE I; OSTEOGENESIS IMPERFECTA TARDA; OSTEOGENESIS IMPERFECTA WITH BLUE SCLERAE; Lobstein disease. Identifiers: Orphanet 216796, Orphanet 666, MedGen C0023931, MONDO:0008146, OMIM 166200. Disease mechanism: loss of function.
Postmenopausal osteoporosis. Also called: BONE MINERAL DENSITY QUANTITATIVE TRAIT LOCUS; OSTEOPOROSIS, INVOLUTIONAL. Identifiers: MedGen C0029458, MONDO:0008159.
Osteogenesis imperfecta with normal sclerae, dominant form (OI4). Also called: Common Variable Osteogenesis Imperfecta with Normal Sclerae; Osteogenesis imperfecta type 4; OSTEOGENESIS IMPERFECTA WITH NORMAL SCLERAE; Osteogenesis Imperfecta Type IV; OSTEOGENESIS IMPERFECTA, TYPE IV, WITH DENTINOGENESIS IMPERFECTA. Identifiers: Orphanet 216820, Orphanet 666, MedGen C0268363, MONDO:0008148, OMIM 166220.
Osteogenesis imperfecta, perinatal lethal (OI2). Also called: Osteogenesis imperfecta type 2; OSTEOGENESIS IMPERFECTA, TYPE II; VROLIK TYPE OF OSTEOGENESIS IMPERFECTA; OI, TYPE II; OSTEOGENESIS IMPERFECTA CONGENITA; Osteogenesis imperfecta, dominant perinatal lethal. Identifiers: Orphanet 216804, MedGen C0268358, MONDO:0008147, OMIM 166210.
Osteogenesis imperfecta type III (OI3). Also called: Progressively Deforming Osteogenesis Imperfecta; Osteogenesis imperfecta type 3; OI type 3; Osteogenesis imperfecta, progressively deforming with normal sclerae; OI type III. Identifiers: Orphanet 216812, Orphanet 666, MedGen C0268362, MONDO:0009804, OMIM 259420.
Ehlers-Danlos syndrome, cardiac valvular type. Identifiers: Orphanet 230851, MedGen C4303789, MONDO:0009159, OMIM 225320.

Allele frequency attached by ClinVar (database versions not stated): TOPMed 0.00003; gnomAD exomes 0.00006; ExAC 0.00007.
gnomAD v4.1: 46 of 1,613,920 alleles (0.0029%); highest among the groups gnomAD compares: Admixed American, 0.022%; no homozygotes.

Submissions (6):

GeneDx
Classification: Uncertain significance. Last evaluated: 2026-06-29. Review status: criteria provided, single submitter. Criteria: GeneDx Variant Classification Process June 2021. Collection method: clinical testing. Allele origin: germline.
Comment: Identified in patients with Osteogenesis imperfecta (OI) in published literature; however both patients also harbored an additional variant in the COL1A1 gene and at least one was called likely pathogenic by authors (PMID: 26604951, 33470886); Occurs in the triple helical domain at the X position in the canonical Gly-X-Y repeat; although this variant may have an effect on normal protein folding and function, missense substitution at the X position is not a common mechanism of disease (HGMD); In silico analysis supports that this missense variant has a deleterious effect on protein structure/function; This variant is associated with the following publications: (PMID: 35830949, 33470886, 26604951)

Labcorp Genetics (formerly Invitae), Labcorp
Classification: Uncertain significance for Osteogenesis imperfecta type I; Ehlers-Danlos syndrome, classic type, 1. Last evaluated: 2026-01-12. Review status: criteria provided, single submitter. Criteria: Invitae Variant Classification Sherloc (09022015). Collection method: clinical testing. Allele origin: germline.
Comment: This sequence change replaces arginine, which is basic and polar, with histidine, which is basic and polar, at codon 224 of the COL1A2 protein (p.Arg224His). This variant is present in population databases (rs771139732, gnomAD 0.03%). This missense change has been observed in individual(s) with COL1A2-related conditions (PMID: 26604951). ClinVar contains an entry for this variant (Variation ID: 526896). Invitae Evidence Modeling of protein sequence and biophysical properties (such as structural, functional, and spatial information, amino acid conservation, physicochemical variation, residue mobility, and thermodynamic stability) has been performed for this missense variant. However, the output from this modeling did not meet the statistical confidence thresholds required to predict the impact of this variant on COL1A2 protein function. In summary, the available evidence is currently insufficient to determine the role of this variant in disease. Therefore, it has been classified as a Variant of Uncertain Significance.

Ambry Genetics
Classification: Uncertain significance for Cardiovascular phenotype. Last evaluated: 2025-05-14. Review status: criteria provided, single submitter. Criteria: Ambry Variant Classification Scheme 2023. Collection method: clinical testing. Allele origin: germline.
Comment: The p.R224H variant (also known as c.671G>A), located in coding exon 14 of the COL1A2 gene, results from a G to A substitution at nucleotide position 671. The arginine at codon 224 is replaced by histidine, an amino acid with highly similar properties. This variant was reported in an individual with osteogenesis imperfecta, who also had a COL1A1 variant detected (Brizola E et al. Clin Cases Miner Bone Metab Oct;12:202-6). This amino acid position is highly conserved in available vertebrate species. In addition, this alteration is predicted to be deleterious by in silico analysis. Since supporting evidence is limited at this time, the clinical significance of this alteration remains unclear.

Fulgent Genetics
Classification: Uncertain significance for Osteogenesis imperfecta, perinatal lethal; Osteogenesis imperfecta with normal sclerae, dominant form; Osteoporosis; Ehlers-Danlos syndrome, cardiac valvular type; Osteogenesis imperfecta type III; Ehlers-Danlos syndrome, arthrochalasia type, 2. Last evaluated: 2018-10-31. Review status: criteria provided, single submitter. Criteria: ACMG Guidelines, 2015. Collection method: clinical testing. Allele origin: unknown.

Illumina Laboratory Services, Illumina
Classification: Benign for Ehlers-Danlos syndrome, arthrochalasia type, 2. Last evaluated: 2017-07-14. Review status: criteria provided, single submitter. Criteria: ICSL Variant Classification Criteria 13 December 2019. Collection method: clinical testing. Allele origin: germline.
Comment: This variant was observed as part of a predisposition screen in an ostensibly healthy population. A literature search was performed for the gene, cDNA change, and amino acid change (where applicable). No publications were found based on this search. Allele frequency data from public databases was too high to be consistent with this variant causing disease. Therefore, this variant is classified as benign.

Illumina Laboratory Services, Illumina
Classification: Benign for Osteogenesis imperfecta. Last evaluated: 2017-07-14. Review status: criteria provided, single submitter. Criteria: ICSL Variant Classification Criteria 13 December 2019. Collection method: clinical testing. Allele origin: germline.
Comment: This variant was observed as part of a predisposition screen in an ostensibly healthy population. A literature search was performed for the gene, cDNA change, and amino acid change (where applicable). Publications were found based on this search. The evidence from the literature, in combination with allele frequency data from public databases where available, was sufficient to rule this variant out of causing disease. Therefore, this variant is classified as benign.

Literature cited by the submitters: PubMed 26604951 (cited by 3 submitters).

NM_000089.4(COL1A2):c.671G>A (p.Arg224His)

Gene: COL1A2 (collagen type I alpha 2 chain; plus strand). Cytogenetic location: 7q21.3.
Variant type: single nucleotide variant.
Coding change: c.671G>A on transcript NM_000089.4 (MANE Select); coding-DNA position 671, G replaced by A.
Protein change: p.Arg224His; replaces arginine 224 with histidine.
Molecular consequence: missense variant.
Genome position (GRCh38, 1-based): chr7:94,408,214, G>A. VCF-style: chr7-94408214-G-A. GRCh37 (hg19) VCF-style: chr7-94037526-G-A.
Other names: short protein forms R224H.
Identifiers: ClinVar variation 526896 (VCV000526896.20), dbSNP rs771139732, ClinGen allele CA4346766.